The following is an entry in ClinVar:

NM_004672.5(MAP3K6):c.3781del (p.Arg1261fs)

Gene: MAP3K6 (mitogen-activated protein kinase kinase kinase 6; minus strand). Cytogenetic location: 1p36.11.
Variant type: Deletion.
Coding change: c.3781del on transcript NM_004672.5 (MANE Select); coding-DNA position 3781, one base deleted (C; older notation c.3781delC).
Protein change: p.Arg1261fs; shifts the reading frame from arginine 1261.
Molecular consequence: frameshift variant.
Genome position (GRCh38, 1-based): chr1:27,355,676, G deleted on the plus strand (C on the coding strand, the reverse complement: MAP3K6 is on the minus strand); the first of 3 consecutive G bases (chr1:27,355,676-27,355,678); deleting any one gives the same sequence. VCF-style (leftmost placement, unchanged base first): chr1-27355675-CG-C. GRCh37 (hg19) VCF-style: chr1-27682166-CG-C.
Other names: c.3757del, p.Arg1253fs (NM_001297609.2); short protein forms R1253fs, R1261fs.
Identifiers: ClinVar variation 493031 (VCV000493031.43), dbSNP rs768616209, ClinGen allele CA712927.
Genomic context (GRCh38, chr1:27,355,675, plus strand): 5'-TTGGCCAGGATGAGGCCATATGCATGGTTCACACTTGGGGGGCCCAGGATGTACCTGATG[CG>C]GGTGTAGATGAGGTCATCTCGAGTGGCATAGGTGAGCAGAGTGTGGAGGGTGAAGCTATG-3'

ClinVar aggregate classification (germline): Uncertain significance (1 of 4 stars; one submission).

Submission:

CeGaT Center for Human Genetics Tuebingen
Classification: Uncertain significance. Last evaluated: 2023-11-01. Review status: criteria provided, single submitter. Criteria: CeGaT Center For Human Genetics Tuebingen Variant Classification Criteria Version 2. Collection method: clinical testing. Allele origin: germline. Affected: yes. Observed: 2 variant alleles.
Comment: MAP3K6: PM4